The following is an entry in ClinVar:

NM_198904.4(GABRG2):c.308C>T (p.Pro103Leu)

Gene: GABRG2 (gamma-aminobutyric acid type A receptor subunit gamma2; plus strand). Cytogenetic location: 5q34.
Variant type: single nucleotide variant.
Coding change: c.308C>T on transcript NM_198904.4 (MANE Select); coding-DNA position 308, C replaced by T.
Protein change: p.Pro103Leu; replaces proline 103 with leucine.
Molecular consequence: missense variant. On other transcripts: 5 prime UTR variant (2).
Genome position (GRCh38, 1-based): chr5:162,095,543, C>T. VCF-style: chr5-162095543-C-T. GRCh37 (hg19) VCF-style: chr5-161522549-C-T.
Other names: c.308C>T, p.Pro103Leu (NM_000816.3, NM_001375340.1, NM_001375341.1 and 4 more transcripts); c.299C>T, p.Pro100Leu (NM_001375339.1); c.242C>T, p.Pro81Leu (NM_001375345.1, NM_001375346.1); c.221C>T, p.Pro74Leu (NM_001375347.1); c.-51C>T (NM_001375348.1, NM_001375350.1); c.23C>T, p.Pro8Leu (NM_001375349.1); short protein forms P81L, P8L, P100L, P74L, P103L.
Identifiers: ClinVar variation 2954383 (VCV002954383.3), dbSNP rs2532559838, ClinGen allele CA362183449.
Genomic context (GRCh38, chr5:162,095,543, plus strand): 5'-TTCTCTTTACAGTGAAGCCAACGTTAATTCACACAGACATGTATGTGAATAGCATTGGTC[C>T]AGTGAACGCTATCAATATGGTGAGTTTCCAAATAAAATTCTTTGTCTGTTTTATTAGCAT-3'
Protein context (NP_944494.1, residues 93-113): HTDMYVNSIG[Pro103Leu]VNAINMEYTI

ClinVar aggregate classification (germline): Uncertain significance (1 of 4 stars; one submission).

Conditions:
EPILEPSY, CHILDHOOD ABSENCE, SUSCEPTIBILITY TO, 2 (ECA2). Identifiers: Orphanet 64280, MedGen C1843244, OMIM 607681.
Febrile seizures, familial, 8 (FEB8). Also called: CONVULSIONS, FAMILIAL FEBRILE, 8. Identifiers: Orphanet 36387, MedGen C1969810, MONDO:0011891, OMIM 607681.

Submission:

Labcorp Genetics (formerly Invitae), Labcorp
Classification: Uncertain significance for Febrile seizures, familial, 8; EPILEPSY, CHILDHOOD ABSENCE, SUSCEPTIBILITY TO, 2. Last evaluated: 2024-07-15. Review status: criteria provided, single submitter. Criteria: Invitae Variant Classification Sherloc (09022015). Collection method: clinical testing. Allele origin: germline.
Comment: This sequence change replaces proline, which is neutral and non-polar, with leucine, which is neutral and non-polar, at codon 103 of the GABRG2 protein (p.Pro103Leu). This variant is not present in population databases (gnomAD no frequency). This variant has not been reported in the literature in individuals affected with GABRG2-related conditions. Advanced modeling of protein sequence and biophysical properties (such as structural, functional, and spatial information, amino acid conservation, physicochemical variation, residue mobility, and thermodynamic stability) performed at Invitae indicates that this missense variant is expected to disrupt GABRG2 protein function with a positive predictive value of 95%. In summary, the available evidence is currently insufficient to determine the role of this variant in disease. Therefore, it has been classified as a Variant of Uncertain Significance.